The following is an entry in ClinVar:

ClinVar aggregate classification (germline): Uncertain significance (1 of 4 stars; one submission).

Allele frequency attached by ClinVar (database versions not stated): TOPMed below 0.00001.

Submission:

Labcorp Genetics (formerly Invitae), Labcorp
Classification: Uncertain significance. Last evaluated: 2022-06-22. Review status: criteria provided, single submitter. Criteria: Invitae Variant Classification Sherloc (09022015). Collection method: clinical testing. Allele origin: germline.
Comment: This sequence change replaces glycine, which is neutral and non-polar, with alanine, which is neutral and non-polar, at codon 141 of the ASNS protein (p.Gly141Ala). This variant is not present in population databases (gnomAD no frequency). This variant has not been reported in the literature in individuals affected with ASNS-related conditions. Advanced modeling of protein sequence and biophysical properties (such as structural, functional, and spatial information, amino acid conservation, physicochemical variation, residue mobility, and thermodynamic stability) performed at Invitae indicates that this missense variant is expected to disrupt ASNS protein function. In summary, the available evidence is currently insufficient to determine the role of this variant in disease. Therefore, it has been classified as a Variant of Uncertain Significance.

NM_001673.5(ASNS):c.422G>C (p.Gly141Ala)

Genes: ASNS (asparagine synthetase (glutamine-hydrolyzing); minus strand), CZ1P-ASNS (CZ1P-ASNS readthrough; minus strand). Cytogenetic location: 7q21.3.
Variant type: single nucleotide variant.
Coding change: c.422G>C on transcript NM_001673.5 (MANE Select); coding-DNA position 422, G replaced by C.
Protein change: p.Gly141Ala; replaces glycine 141 with alanine.
Molecular consequence: missense variant. On other transcripts: non-coding transcript variant (1).
Genome position (GRCh38, 1-based): chr7:97,864,324, C>G on the plus strand (G>C on the coding strand, the complement: ASNS is on the minus strand). VCF-style: chr7-97864324-C-G. GRCh37 (hg19) VCF-style: chr7-97493636-C-G.
Other names: c.359G>C, p.Gly120Ala (NM_001178075.2); c.173G>C, p.Gly58Ala (NM_001178076.2, NM_001178077.1); c.422G>C, p.Gly141Ala (NM_001352496.2, NM_133436.3, NM_183356.4); short protein forms G58A, G120A, G141A.
Identifiers: ClinVar variation 2008947 (VCV002008947.1), dbSNP rs974068571, ClinGen allele CA163034162.